The following is an entry in ClinVar:

ClinVar aggregate classification (germline): Uncertain significance (1 of 4 stars; one submission).

Conditions:
Spastic paraplegia. Identifiers: MedGen C0037772, HP:0001258.

Allele frequency attached by ClinVar (database versions not stated): gnomAD exomes 0.00001 and 0.00002; ExAC 0.00003.
gnomAD v4.1: 13 of 1,613,290 alleles (0.00081%); highest among the groups gnomAD compares: Non-Finnish European, 0.001%; no homozygotes.

Submission:

Labcorp Genetics (formerly Invitae), Labcorp
Classification: Uncertain significance for Spastic paraplegia. Last evaluated: 2022-07-12. Review status: criteria provided, single submitter. Criteria: Invitae Variant Classification Sherloc (09022015). Collection method: clinical testing. Allele origin: germline.
Comment: This sequence change replaces leucine, which is neutral and non-polar, with valine, which is neutral and non-polar, at codon 1783 of the ZFYVE26 protein (p.Leu1783Val). This variant is present in population databases (rs752654491, gnomAD 0.005%). This variant has not been reported in the literature in individuals affected with ZFYVE26-related conditions. ClinVar contains an entry for this variant (Variation ID: 1408146). Algorithms developed to predict the effect of missense changes on protein structure and function output the following: SIFT: "Tolerated"; PolyPhen-2: "Benign"; Align-GVGD: "Class C0". The valine amino acid residue is found in multiple mammalian species, which suggests that this missense change does not adversely affect protein function. Algorithms developed to predict the effect of sequence changes on RNA splicing suggest that this variant may create or strengthen a splice site. In summary, the available evidence is currently insufficient to determine the role of this variant in disease. Therefore, it has been classified as a Variant of Uncertain Significance.

NM_015346.4(ZFYVE26):c.5347C>G (p.Leu1783Val)

Gene: ZFYVE26 (zinc finger FYVE-type containing 26; minus strand). Cytogenetic location: 14q24.1.
Variant type: single nucleotide variant.
Coding change: c.5347C>G on transcript NM_015346.4 (MANE Select); coding-DNA position 5347, C replaced by G.
Protein change: p.Leu1783Val; replaces leucine 1783 with valine.
Molecular consequence: missense variant.
Genome position (GRCh38, 1-based): chr14:67,772,184, G>C on the plus strand (C>G on the coding strand, the complement: ZFYVE26 is on the minus strand). VCF-style: chr14-67772184-G-C. GRCh37 (hg19) VCF-style: chr14-68238901-G-C.
Other names: short protein forms L1783V.
Identifiers: ClinVar variation 1408146 (VCV001408146.5), dbSNP rs752654491, ClinGen allele CA7239517.